The following is an entry in ClinVar:

NM_001130144.3(LTBP3):c.2257C>A (p.Pro753Thr)

Genes: LTBP3 (latent transforming growth factor beta binding protein 3; minus strand), LOC130006029 (ATAC-STARR-seq lymphoblastoid silent region 3532; plus strand). Cytogenetic location: 11q13.1.
Variant type: single nucleotide variant.
Coding change: c.2257C>A on transcript NM_001130144.3 (MANE Select); coding-DNA position 2257, C replaced by A.
Protein change: p.Pro753Thr; replaces proline 753 with threonine.
Molecular consequence: missense variant.
Genome position (GRCh38, 1-based): chr11:65,546,538, G>T on the plus strand (C>A on the coding strand, the complement: LTBP3 is on the minus strand). VCF-style: chr11-65546538-G-T. GRCh37 (hg19) VCF-style: chr11-65314009-G-T.
Other names: c.1906C>A, p.Pro636Thr (NM_001164266.1); c.2257C>A, p.Pro753Thr (NM_021070.4); short protein forms P753T, P636T.
Identifiers: ClinVar variation 3700765 (VCV003700765.2).

ClinVar aggregate classification (germline): Uncertain significance (1 of 4 stars; one submission).

Conditions:
Brachyolmia-amelogenesis imperfecta syndrome. Also called: Tooth agenesis, selective, 6; Dental anomalies and short stature; PLATYSPONDYLY WITH AMELOGENESIS IMPERFECTA. Identifiers: Orphanet 2899, MedGen C1832594, MONDO:0011018, OMIM 601216. Disease mechanism: loss of function.

Submission:

Labcorp Genetics (formerly Invitae), Labcorp
Classification: Uncertain significance for Brachyolmia-amelogenesis imperfecta syndrome. Last evaluated: 2025-01-07. Review status: criteria provided, single submitter. Criteria: Invitae Variant Classification Sherloc (09022015). Collection method: clinical testing. Allele origin: germline.
Comment: This sequence change replaces proline, which is neutral and non-polar, with threonine, which is neutral and polar, at codon 753 of the LTBP3 protein (p.Pro753Thr). This variant is not present in population databases (gnomAD no frequency). This variant has not been reported in the literature in individuals affected with LTBP3-related conditions. An algorithm developed to predict the effect of missense changes on protein structure and function (PolyPhen-2) suggests that this variant is likely to be disruptive. In summary, the available evidence is currently insufficient to determine the role of this variant in disease. Therefore, it has been classified as a Variant of Uncertain Significance.